The following is an entry in ClinVar:

ClinVar aggregate classification (germline): Benign (1 of 4 stars; one submission).

gnomAD v4.1: 1,291 of 1,613,236 alleles (0.08%); highest among the groups gnomAD compares: East Asian, 2.6%; 17 homozygotes.

Submission:

Mayo Clinic Laboratories, Mayo Clinic
Classification: Benign. Last evaluated: 2025-07-31. Review status: criteria provided, single submitter. Criteria: ACMG Guidelines, 2015. Collection method: clinical testing. Allele origin: germline. Observed: 1 variant allele.
Comment: BA1, BP4, BP7

NM_001081.4(CUBN):c.5342+26T>C

Gene: CUBN (cubilin; minus strand). Cytogenetic location: 10p13.
Variant type: single nucleotide variant.
Coding change: c.5342+26T>C on transcript NM_001081.4 (MANE Select); 26 bases into the intron after coding-DNA position 5342, T replaced by C.
Molecular consequence: intron variant.
Genome position (GRCh38, 1-based): chr10:16,947,209, A>G on the plus strand (T>C on the coding strand, the complement: CUBN is on the minus strand). VCF-style: chr10-16947209-A-G. GRCh37 (hg19) VCF-style: chr10-16989208-A-G.
Other names: p.?.
Identifiers: ClinVar variation 4683491 (VCV004683491.1).